The following is an entry in ClinVar:

ClinVar aggregate classification (germline): Pathogenic (1 of 4 stars; one submission).

Conditions:
Gamma-aminobutyric acid transaminase deficiency (GABATD). Also called: GABA aminotransaminase deficiency; GABA transaminase deficiency; Gamma aminobutyrate transaminase deficiency; 4 alpha aminobutyrate transaminase deficiency. Identifiers: Orphanet 2066, MedGen C0342708, MONDO:0013166, OMIM 613163.

Submission:

Bonnen Lab, Baylor College of Medicine
Classification: Pathogenic for Gamma-aminobutyric acid transaminase deficiency. Last evaluated: 2014-01-01. Review status: criteria provided, single submitter. Criteria: Submitter's publication. Collection method: research. Allele origin: germline. Inheritance: Autosomal recessive inheritance. Affected: yes. Observed: 1 variant allele, 1 compound heterozygote.
Comment: clinical and in vitro studies

Literature cited by the submitters: PubMed 20052547.

NM_000663.4(ABAT):c.199-?_316+?del

Gene: ABAT (4-aminobutyrate aminotransferase; plus strand).
Variant type: Deletion.
Coding change: c.199-?_316+?del on transcript NM_000663.4.
Identifiers: ClinVar variation 162037 (VCV000162037.1).